The following is an entry in ClinVar:

ClinVar aggregate classification (germline): Uncertain significance. Review status: criteria provided, multiple submitters, no conflicts (2 of 4 stars). 2 submissions from 2 submitters: Uncertain significance (2). Last evaluated 2025-10-07.

Conditions:
Periodic fever-infantile enterocolitis-autoinflammatory syndrome. Also called: Autoinflammation with infantile enterocolitis. Identifiers: Orphanet 436166, MedGen C4015067, MONDO:0014472, OMIM 616050.
Familial cold autoinflammatory syndrome 4 (FCAS4). Identifiers: Orphanet 47045, Orphanet 576349, MedGen C4015276, MONDO:0014498, OMIM 616115.
Inborn genetic diseases. Identifiers: MedGen C0950123, MeSH D030342.

gnomAD v4.1: 1 of 1,614,162 alleles (0.000062%); no homozygotes.

Submissions (2):

Ambry Genetics
Classification: Uncertain significance for Inborn genetic diseases. Last evaluated: 2025-10-07. Review status: criteria provided, single submitter. Criteria: Ambry Variant Classification Scheme 2023. Collection method: clinical testing. Allele origin: germline.
Comment: The c.905A>C (p.E302A) alteration is located in exon 4 (coding exon 3) of the NLRC4 gene. This alteration results from a A to C substitution at nucleotide position 905, causing the glutamic acid (E) at amino acid position 302 to be replaced by an alanine (A). Based on data from gnomAD, the C allele has an overall frequency of <0.001% (1/251292) total alleles studied. The highest observed frequency was 0.001% (1/113602) of European (non-Finnish) alleles. Based on insufficient or conflicting evidence, the clinical significance of this alteration remains unclear.

Labcorp Genetics (formerly Invitae), Labcorp
Classification: Uncertain significance for Periodic fever-infantile enterocolitis-autoinflammatory syndrome; Familial cold autoinflammatory syndrome 4. Last evaluated: 2024-03-16. Review status: criteria provided, single submitter. Criteria: Invitae Variant Classification Sherloc (09022015). Collection method: clinical testing. Allele origin: germline.
Comment: This sequence change replaces glutamic acid, which is acidic and polar, with alanine, which is neutral and non-polar, at codon 302 of the NLRC4 protein (p.Glu302Ala). This variant is present in population databases (no rsID available, gnomAD 0.0009%). This variant has not been reported in the literature in individuals affected with NLRC4-related conditions. Advanced modeling of protein sequence and biophysical properties (such as structural, functional, and spatial information, amino acid conservation, physicochemical variation, residue mobility, and thermodynamic stability) performed at Invitae indicates that this missense variant is not expected to disrupt NLRC4 protein function with a negative predictive value of 80%. In summary, the available evidence is currently insufficient to determine the role of this variant in disease. Therefore, it has been classified as a Variant of Uncertain Significance.

NM_001199138.2(NLRC4):c.905A>C (p.Glu302Ala)

Gene: NLRC4 (NLR family CARD domain containing 4; minus strand). Cytogenetic location: 2p22.3.
Variant type: single nucleotide variant.
Coding change: c.905A>C on transcript NM_001199138.2 (MANE Select); coding-DNA position 905, A replaced by C.
Protein change: p.Glu302Ala; replaces glutamic acid 302 with alanine.
Molecular consequence: missense variant. On other transcripts: intron variant (1).
Genome position (GRCh38, 1-based): chr2:32,250,959, T>G on the plus strand (A>C on the coding strand, the complement: NLRC4 is on the minus strand). VCF-style: chr2-32250959-T-G. GRCh37 (hg19) VCF-style: chr2-32476028-T-G.
Other names: c.905A>C, p.Glu302Ala (NM_001199139.2, NM_021209.5); c.262+1460A>C (NM_001302504.1); short protein forms E302A.
Identifiers: ClinVar variation 3749790 (VCV003749790.3).